The following is an entry in ClinVar:

ClinVar aggregate classification (germline): Likely benign (1 of 4 stars; one submission).

Allele frequency attached by ClinVar (database versions not stated): gnomAD exomes 0.00003; gnomAD 0.00004.

Submission:

CeGaT Center for Human Genetics Tuebingen
Classification: Likely benign. Last evaluated: 2023-09-01. Review status: criteria provided, single submitter. Criteria: CeGaT Center For Human Genetics Tuebingen Variant Classification Criteria Version 2. Collection method: clinical testing. Allele origin: germline. Affected: yes. Observed: 1 variant allele.
Comment: CD209: BP4, BS2

NM_021155.4(CD209):c.386G>A (p.Arg129Gln)

Gene: CD209 (CD209 molecule; minus strand). Cytogenetic location: 19p13.2.
Variant type: single nucleotide variant.
Coding change: c.386G>A on transcript NM_021155.4 (MANE Select); coding-DNA position 386, G replaced by A.
Protein change: p.Arg129Gln; replaces arginine 129 with glutamine.
Molecular consequence: missense variant. On other transcripts: non-coding transcript variant (1), intron variant (1).
Genome position (GRCh38, 1-based): chr19:7,745,880, C>T on the plus strand (G>A on the coding strand, the complement: CD209 is on the minus strand). VCF-style: chr19-7745880-C-T. GRCh37 (hg19) VCF-style: chr19-7810766-C-T.
Other names: c.254G>A, p.Arg85Gln (NM_001144893.2, NM_001144894.2); c.386G>A, p.Arg129Gln (NM_001144895.2, NM_001144897.2); c.314G>A, p.Arg105Gln (NM_001144896.2); c.265+121G>A (NM_001144899.2); short protein forms R105Q, R129Q, R85Q.
Identifiers: ClinVar variation 2649178 (VCV002649178.24), dbSNP rs200171403, ClinGen allele CA304900780.
Genomic context (GRCh38, chr19:7,745,880, plus strand): 5'-TCCTGGTAGATCTCCTGCAGCTTAGATTTCTCTGGAAGCTCACCCACTGCAGCCTTCAGC[C>T]GGGTCAGCTCCTGGTAGATCTCCTGCAGCTTAGATTTCTCTGGAAGCTCACCCACTGCAG-3'
Protein context (NP_066978.1, residues 119-139): KLQEIYQELT[Arg129Gln]LKAAVGELPE